The following is an entry in ClinVar:

ClinVar aggregate classification (germline): Uncertain significance (1 of 4 stars; one submission).

Conditions:
Immunodeficiency. Identifiers: MedGen C0021051, MONDO:0021094, HP:0002721.

Allele frequency attached by ClinVar (database versions not stated): gnomAD exomes below 0.00001; ExAC 0.00001; TOPMed 0.00001; gnomAD 0.00003 and 0.00004.
gnomAD v4.1: 9 of 1,614,082 alleles (0.00056%); highest among the groups gnomAD compares: African/African-American, 0.0067%; no homozygotes.

Submission:

Labcorp Genetics (formerly Invitae), Labcorp
Classification: Uncertain significance for Immunodeficiency. Last evaluated: 2022-09-07. Review status: criteria provided, single submitter. Criteria: Invitae Variant Classification Sherloc (09022015). Collection method: clinical testing. Allele origin: germline.
Comment: In summary, the available evidence is currently insufficient to determine the role of this variant in disease. Therefore, it has been classified as a Variant of Uncertain Significance. Algorithms developed to predict the effect of missense changes on protein structure and function output the following: SIFT: "Tolerated"; PolyPhen-2: "Benign"; Align-GVGD: "Class C0". The asparagine amino acid residue is found in multiple mammalian species, which suggests that this missense change does not adversely affect protein function. ClinVar contains an entry for this variant (Variation ID: 999727). This variant has not been reported in the literature in individuals affected with NFAT5-related conditions. This variant is present in population databases (rs774143282, gnomAD 0.008%). This sequence change replaces serine, which is neutral and polar, with asparagine, which is neutral and polar, at codon 716 of the NFAT5 protein (p.Ser716Asn).

NM_138713.4(NFAT5):c.2429G>A (p.Ser810Asn)

Gene: NFAT5 (nuclear factor of activated T cells 5; plus strand). Cytogenetic location: 16q22.1.
Variant type: single nucleotide variant.
Coding change: c.2429G>A on transcript NM_138713.4 (MANE Select); coding-DNA position 2429, G replaced by A.
Protein change: p.Ser810Asn; replaces serine 810 with asparagine.
Molecular consequence: missense variant.
Genome position (GRCh38, 1-based): chr16:69,692,254, G>A. VCF-style: chr16-69692254-G-A. GRCh37 (hg19) VCF-style: chr16-69726157-G-A.
Other names: c.2426G>A, p.Ser809Asn (NM_001113178.3); c.1754G>A, p.Ser585Asn (NM_001367709.1); c.2375G>A, p.Ser792Asn (NM_006599.4); c.2147G>A, p.Ser716Asn (NM_138714.4, NM_173214.3, NM_173215.3); short protein forms S585N, S716N, S792N, S809N, S810N.
Identifiers: ClinVar variation 999727 (VCV000999727.8), dbSNP rs774143282, ClinGen allele CA8135759.